The following is an entry in ClinVar:

ClinVar aggregate classification (germline): Likely pathogenic (1 of 4 stars; one submission).

Conditions:
Intellectual developmental disorder, autosomal dominant 44, with microcephaly. Also called: Micrognathia-recurrent infections-behavioral abnormalities-mild intellectual disability syndrome; TRIO-Related Intellectual Disability. Identifiers: Orphanet 476126, MedGen C4310740, MONDO:0014892, OMIM 617061.

Submission:

MVZ Medizinische Genetik Mainz
Classification: Likely pathogenic for Intellectual developmental disorder, autosomal dominant 44, with microcephaly. Last evaluated: 2025-02-17. Review status: criteria provided, single submitter. Criteria: UK Practice Guidelines For Variant Classification V4 01 2020. Collection method: clinical testing. Allele origin: germline. Inheritance: Autosomal dominant inheritance. Affected: yes. Observed: 1 variant allele.
Comment: ACMG Criteria: PVS1,PM2_SUP

NM_007118.4(TRIO):c.7403_7404del (p.Leu2468fs)

Gene: TRIO (trio Rho guanine nucleotide exchange factor; plus strand). Cytogenetic location: 5p15.2.
Variant type: Microsatellite.
Coding change: c.7403_7404del on transcript NM_007118.4 (MANE Select); coding-DNA positions 7403 to 7404, 2 bases deleted (TC; older notation c.7403_7404delTC).
Protein change: p.Leu2468fs; shifts the reading frame from leucine 2468.
Molecular consequence: frameshift variant.
Genome position (GRCh38, 1-based): chr5:14,488,031-14,488,032, TC deleted; deleting any 2 consecutive bases within chr5:14,488,027-14,488,032 gives the same sequence; the c. name uses the placement nearest the transcript's 3' end. VCF-style (leftmost placement, unchanged base first): chr5-14488026-TTC-T. GRCh37 (hg19) VCF-style: chr5-14488135-TTC-T.
Other names: short protein forms L2468fs.
Identifiers: ClinVar variation 3774568 (VCV003774568.1).